The following is an entry in ClinVar:

ClinVar aggregate classification (germline): Uncertain significance. Review status: criteria provided, multiple submitters, no conflicts (2 of 4 stars). 2 submissions from 2 submitters: Uncertain significance (2). Last evaluated 2024-12-16.

Conditions:
Senior-Loken syndrome 8 (SLSN8). Identifiers: Orphanet 3156, MedGen C4225376, MONDO:0014579, OMIM 616307.
Asphyxiating thoracic dystrophy 5 (SRTD5). Also called: SHORT-RIB THORACIC DYSPLASIA 5 WITH OR WITHOUT POLYDACTYLY; SHORT-RIB THORACIC DYSPLASIA 5 WITHOUT POLYDACTYLY. Identifiers: Orphanet 474, MedGen C3280598, MONDO:0013717, OMIM 614376.

Allele frequency attached by ClinVar (database versions not stated): gnomAD 0.00001; ExAC 0.00002; gnomAD exomes 0.00003 and 0.00004; TOPMed 0.00003.
gnomAD v4.1: 16 of 1,598,348 alleles (0.001%); highest among the groups gnomAD compares: East Asian, 0.036%; no homozygotes.

Submissions (2):

Labcorp Genetics (formerly Invitae), Labcorp
Classification: Uncertain significance for Senior-Loken syndrome 8; Asphyxiating thoracic dystrophy 5. Last evaluated: 2024-12-16. Review status: criteria provided, single submitter. Criteria: Invitae Variant Classification Sherloc (09022015). Collection method: clinical testing. Allele origin: germline.
Comment: This sequence change replaces valine, which is neutral and non-polar, with aspartic acid, which is acidic and polar, at codon 1164 of the WDR19 protein (p.Val1164Asp). The frequency data for this variant in the population databases is considered unreliable, as metrics indicate poor data quality at this position in the gnomAD database. This variant has not been reported in the literature in individuals affected with WDR19-related conditions. ClinVar contains an entry for this variant (Variation ID: 1472346). Invitae Evidence Modeling of protein sequence and biophysical properties (such as structural, functional, and spatial information, amino acid conservation, physicochemical variation, residue mobility, and thermodynamic stability) has been performed for this missense variant. However, the output from this modeling did not meet the statistical confidence thresholds required to predict the impact of this variant on WDR19 protein function. In summary, the available evidence is currently insufficient to determine the role of this variant in disease. Therefore, it has been classified as a Variant of Uncertain Significance.

Blueprint Genetics
Classification: Uncertain significance. Last evaluated: 2018-12-13. Review status: criteria provided, single submitter. Criteria: ACMG Guidelines, 2015. Collection method: clinical testing. Allele origin: germline.

NM_025132.4(WDR19):c.3491T>A (p.Val1164Asp)

Gene: WDR19 (WD repeat domain 19; plus strand). Cytogenetic location: 4p14.
Variant type: single nucleotide variant.
Coding change: c.3491T>A on transcript NM_025132.4 (MANE Select); coding-DNA position 3491, T replaced by A.
Protein change: p.Val1164Asp; replaces valine 1164 with aspartic acid.
Molecular consequence: missense variant.
Genome position (GRCh38, 1-based): chr4:39,272,987, T>A. VCF-style: chr4-39272987-T-A. GRCh37 (hg19) VCF-style: chr4-39274607-T-A.
Other names: c.3011T>A, p.Val1004Asp (NM_001317924.2); short protein forms V1004D, V1164D.
Identifiers: ClinVar variation 1472346 (VCV001472346.9), dbSNP rs748465735, ClinGen allele CA2892397.